The following is an entry in ClinVar:

NM_001374736.1(DST):c.181+9C>A

Gene: DST (dystonin; minus strand). Cytogenetic location: 6p12.1.
Variant type: single nucleotide variant.
Coding change: c.181+9C>A on transcript NM_001374736.1 (MANE Select); 9 bases into the intron after coding-DNA position 181, C replaced by A.
Molecular consequence: intron variant.
Genome position (GRCh38, 1-based): chr6:56,954,398, G>T on the plus strand (C>A on the coding strand, the complement: DST is on the minus strand). VCF-style: chr6-56954398-G-T. GRCh37 (hg19) VCF-style: chr6-56819196-G-T.
Other names: p.?; c.181+9C>A (NM_001144769.5, NM_001374722.1, NM_001374734.1 and 1 more transcripts).
Identifiers: ClinVar variation 3048741 (VCV003048741.3), dbSNP rs367760336, ClinGen allele CA3872053.

ClinVar aggregate classification (germline): Likely benign. Review status: criteria provided, single submitter (1 of 4 stars). 2 submissions from 2 submitters: Likely benign (1). 1 of the submissions does not count toward it. Last evaluated 2024-10-01.

Conditions:
DST-related disorder. Also called: DST-related condition; DST-related disorders.

Allele frequency attached by ClinVar (database versions not stated): 1000 Genomes Project 30x 0.00016; ExAC 0.00017; gnomAD 0.00017; ESP Exome Variant Server 0.00019; TOPMed 0.00019; 1000 Genomes Project 0.00020.
gnomAD v4.1: 207 of 1,364,374 alleles (0.015%); highest among the groups gnomAD compares: Middle Eastern, 0.021%; no homozygotes.

Submissions (2):

Mayo Clinic Laboratories, Mayo Clinic
Classification: Likely benign. Last evaluated: 2024-10-01. Review status: criteria provided, single submitter. Criteria: ACMG Guidelines, 2015. Collection method: clinical testing. Allele origin: germline. Observed: 1 variant allele.
Comment: BP4, BP7

PreventionGenetics, part of Exact Sciences
Classification: Likely benign for DST-related condition. Last evaluated: 2024-01-03. Review status: no assertion criteria provided. Collection method: clinical testing. Allele origin: germline. Not counted in ClinVar's aggregate classification.
Comment: This variant is classified as likely benign based on ACMG/AMP sequence variant interpretation guidelines (Richards et al. 2015 PMID: 25741868, with internal and published modifications).